The following is an entry in ClinVar:

NM_001876.4(CPT1A):c.2309A>G (p.Asn770Ser)

Gene: CPT1A (carnitine palmitoyltransferase 1A; minus strand). Cytogenetic location: 11q13.3.
Variant type: single nucleotide variant.
Coding change: c.2309A>G on transcript NM_001876.4 (MANE Select); coding-DNA position 2309, A replaced by G.
Protein change: p.Asn770Ser; replaces asparagine 770 with serine.
Molecular consequence: missense variant. On other transcripts: intron variant (1).
Genome position (GRCh38, 1-based): chr11:68,757,657, T>C on the plus strand (A>G on the coding strand, the complement: CPT1A is on the minus strand). VCF-style: chr11-68757657-T-C. GRCh37 (hg19) VCF-style: chr11-68525125-T-C.
Other names: c.2309A>G (NM_001876.3); c.2235+1912A>G (NM_001031847.3); short protein forms N770S.
Identifiers: ClinVar variation 2171546 (VCV002171546.3), dbSNP rs747003369, ClinGen allele CA6152010.

ClinVar aggregate classification (germline): Uncertain significance. Review status: criteria provided, multiple submitters, no conflicts (2 of 4 stars). 3 submissions from 3 submitters: Uncertain significance (3). Last evaluated 2025-04-20.

Conditions:
Inborn genetic diseases. Identifiers: MedGen C0950123, MeSH D030342.
Carnitine palmitoyl transferase 1A deficiency. Also called: CPT deficiency, hepatic, type IA; Carnitine palmitoyltransferase 1A deficiency; Carnitine palmitoyltransferase type I deficiency; CPT I DEFICIENCY; CPT DEFICIENCY, HEPATIC, TYPE I. Identifiers: Orphanet 156, MedGen C1829703, MONDO:0009705, OMIM 255120.

Allele frequency attached by ClinVar (database versions not stated): gnomAD 0.00001; TOPMed 0.00001; ExAC 0.00013.
gnomAD v4.1: 57 of 1,614,054 alleles (0.0035%); highest among the groups gnomAD compares: Non-Finnish European, 0.0047%; no homozygotes.

Submissions (3):

Ambry Genetics
Classification: Uncertain significance for Inborn genetic diseases. Last evaluated: 2025-04-20. Review status: criteria provided, single submitter. Criteria: Ambry Variant Classification Scheme 2023. Collection method: clinical testing. Allele origin: germline.

Labcorp Genetics (formerly Invitae), Labcorp
Classification: Uncertain significance for Carnitine palmitoyl transferase 1A deficiency. Last evaluated: 2021-08-31. Review status: criteria provided, single submitter. Criteria: Invitae Variant Classification Sherloc (09022015). Collection method: clinical testing. Allele origin: germline.
Comment: This sequence change replaces asparagine with serine at codon 770 of the CPT1A protein (p.Asn770Ser). The asparagine residue is moderately conserved and there is a small physicochemical difference between asparagine and serine. This variant is present in population databases (rs747003369, ExAC 0.02%). This variant has not been reported in the literature in individuals affected with CPT1A-related conditions. Algorithms developed to predict the effect of missense changes on protein structure and function (SIFT, PolyPhen-2, Align-GVGD) all suggest that this variant is likely to be tolerated. Algorithms developed to predict the effect of sequence changes on RNA splicing suggest that this variant may create or strengthen a splice site. In summary, the available evidence is currently insufficient to determine the role of this variant in disease. Therefore, it has been classified as a Variant of Uncertain Significance.

Blueprint Genetics
Classification: Uncertain significance. Last evaluated: 2017-08-15. Review status: criteria provided, single submitter. Criteria: ACMG Guidelines, 2015. Collection method: clinical testing. Allele origin: germline.